The following is an entry in ClinVar:

ClinVar aggregate classification (germline): Likely benign. Review status: criteria provided, multiple submitters, no conflicts (2 of 4 stars). 4 submissions from 4 submitters: Likely benign (4). Last evaluated 2025-11-18.

Conditions:
Fanconi-Bickel syndrome (FBS). Also called: PSEUDO-PHLORIZIN DIABETES; FANCONI SYNDROME WITH INTESTINAL MALABSORPTION AND GALACTOSE INTOLERANCE; HEPATIC GLYCOGENOSIS WITH AMINO ACIDURIA AND GLUCOSURIA; HEPATIC GLYCOGENOSIS WITH FANCONI NEPHROPATHY; HEPATORENAL GLYCOGENOSIS WITH RENAL FANCONI SYNDROME; Glycogen storage disease due to GLUT2 deficiency. Identifiers: Orphanet 2088, MedGen C3495427, MONDO:0009216, OMIM 227810.
Type 2 diabetes mellitus. Also called: Type II diabetes mellitus. Identifiers: MedGen C0011860, MeSH D003924, MONDO:0005148, OMIM 125853, HP:0005978.

Allele frequency attached by ClinVar (database versions not stated): gnomAD exomes 0.00005 and 0.00008; ESP Exome Variant Server 0.00031; 1000 Genomes Project 30x 0.00172; 1000 Genomes Project 0.00220; TOPMed 0.00019; gnomAD 0.00023 and 0.00018; ExAC 0.00014.
gnomAD v4.1: 109 of 1,601,852 alleles (0.0068%); highest among the groups gnomAD compares: African/African-American, 0.12%; 1 homozygote.

Submissions (4):

Labcorp Genetics (formerly Invitae), Labcorp
Classification: Likely benign for Fanconi-Bickel syndrome. Last evaluated: 2025-11-18. Review status: criteria provided, single submitter. Criteria: Invitae Variant Classification Sherloc (09022015). Collection method: clinical testing. Allele origin: germline.

Blueprint Genetics
Classification: Likely benign. Last evaluated: 2024-10-14. Review status: criteria provided, single submitter. Criteria: ACMG Guidelines, 2015. Collection method: clinical testing. Allele origin: germline.

Fulgent Genetics
Classification: Likely benign for Type 2 diabetes mellitus; Fanconi-Bickel syndrome. Last evaluated: 2022-02-11. Review status: criteria provided, single submitter. Criteria: ACMG Guidelines, 2015. Collection method: clinical testing. Allele origin: unknown.

GeneDx
Classification: Likely benign. Last evaluated: 2017-12-15. Review status: criteria provided, single submitter. Criteria: GeneDx Variant Classification (06012015). Collection method: clinical testing. Allele origin: germline. Affected: yes.
Comment: This variant is considered likely benign or benign based on one or more of the following criteria: it is a conservative change, it occurs at a poorly conserved position in the protein, it is predicted to be benign by multiple in silico algorithms, and/or has population frequency not consistent with disease.

NM_000340.2(SLC2A2):c.1077T>C (p.Leu359=)

Gene: SLC2A2 (solute carrier family 2 member 2; minus strand). Cytogenetic location: 3q26.2.
Variant type: single nucleotide variant.
Coding change: c.1077T>C on transcript NM_000340.2 (MANE Select); coding-DNA position 1077, T replaced by C.
Protein change: p.Leu359=; no amino-acid change (leucine 359 retained).
Molecular consequence: synonymous variant.
Genome position (GRCh38, 1-based): chr3:170,999,158, A>G on the plus strand (T>C on the coding strand, the complement: SLC2A2 is on the minus strand). VCF-style: chr3-170999158-A-G. GRCh37 (hg19) VCF-style: chr3-170716947-A-G.
Other names: c.720T>C, p.Leu240= (NM_001278658.2); c.558T>C, p.Leu186= (NM_001278659.2).
Identifiers: ClinVar variation 513798 (VCV000513798.11), dbSNP rs5408, ClinGen allele CA2702491.
Genomic context (GRCh38, chr3:170,999,158, plus strand): 5'-ACAAACAAACATCCCACTCATTCCAATTAGAAAGAGAGAACGTCGCCCTGCCTTCTCCAC[A>G]AGGAATACCTAGGACAATTTTAAAGAAATTATCTCAGTTTTGTGAGTCACAAAATATTGA-3'
Protein context (NP_000331.1, residues 349-369): NMVFTAVSVF[Leu359=]VEKAGRRSLF